The following is an entry in ClinVar:

ClinVar aggregate classification (germline): Uncertain significance. Review status: criteria provided, multiple submitters, no conflicts (2 of 4 stars). 2 submissions from 2 submitters: Uncertain significance (2). Last evaluated 2021-08-23.

Conditions:
Congenital hypotonia, epilepsy, developmental delay, and digital anomalies (CHEDDA). Also called: ATN1-Related Neurodevelopmental Disorder. Identifiers: MedGen C5193125, MONDO:0032781, OMIM 618494.
Inborn genetic diseases. Identifiers: MedGen C0950123, MeSH D030342.

Allele frequency attached by ClinVar (database versions not stated): ExAC 0.00001; gnomAD exomes 0.00001 and 0.00002; TOPMed 0.00001.
gnomAD v4.1: 8 of 1,614,198 alleles (0.0005%); highest among the groups gnomAD compares: Admixed American, 0.012%; no homozygotes.

Submissions (2):

Ambry Genetics
Classification: Uncertain significance for Inborn genetic diseases. Last evaluated: 2021-08-23. Review status: criteria provided, single submitter. Criteria: Ambry Variant Classification Scheme 2023. Collection method: clinical testing. Allele origin: germline.

New York Genome Center
Classification: Uncertain significance for Congenital hypotonia, epilepsy, developmental delay, and digital anomalies. Last evaluated: 2021-03-05. Review status: criteria provided, single submitter. Criteria: NYGC Assertion Criteria 2020. Collection method: clinical testing. Allele origin: inherited. Observed: 1 heterozygote. Study: CSER-NYCKidSeq.
Comment: The inherited heterozygous c.2611A>G (p.Thr871Ala) variant identified in the ATN1 gene has not been reported in affected individuals in the literature. The variant is absent from gnomAD(v3) database suggesting it is not a common benign variant in the populations represented in that database. The affected residue is moderately conserved. In silico tools provide conflicting predictions about potential pathogenicity of thisvariant[CADD score= 22.9, REVEL score = 0.119]. Based on the available evidence, the inherited heterozygous c.2611A>G (p.Thr871Ala) variant identified in the ATN1 gene is reported as a variantof uncertainsignificance.

NM_001940.4(ATN1):c.2611A>G (p.Thr871Ala)

Gene: ATN1 (atrophin 1; plus strand). Cytogenetic location: 12p13.31.
Variant type: single nucleotide variant.
Coding change: c.2611A>G on transcript NM_001940.4 (MANE Select); coding-DNA position 2611, A replaced by G.
Protein change: p.Thr871Ala; replaces threonine 871 with alanine.
Molecular consequence: missense variant.
Genome position (GRCh38, 1-based): chr12:6,938,574, A>G. VCF-style: chr12-6938574-A-G. GRCh37 (hg19) VCF-style: chr12-7047737-A-G.
Other names: c.2611A>G (NM_001007026.1); c.2611A>G, p.Thr871Ala (NM_001007026.2); short protein forms T871A.
Identifiers: ClinVar variation 1342406 (VCV001342406.4), dbSNP rs781891087, ClinGen allele CA6420864.